The following is an entry in ClinVar:

NM_001372044.2(SHANK3):c.1513G>A (p.Gly505Ser)

Gene: SHANK3 (SH3 and multiple ankyrin repeat domains 3; plus strand). Cytogenetic location: 22q13.33.
Variant type: single nucleotide variant.
Coding change: c.1513G>A on transcript NM_001372044.2 (MANE Select); coding-DNA position 1513, G replaced by A.
Protein change: p.Gly505Ser; replaces glycine 505 with serine.
Molecular consequence: missense variant.
Genome position (GRCh38, 1-based): chr22:50,695,032, G>A. VCF-style: chr22-50695032-G-A. GRCh37 (hg19) VCF-style: chr22-51133460-G-A.
Other names: NM_001080420.1:c.1288G>A; c.1288G>A, p.Gly430Ser (NM_033517.1); short protein forms G430S, G505S.
Identifiers: ClinVar variation 589683 (VCV000589683.12), dbSNP rs563454435, ClinGen allele CA10325497.
Genomic context (GRCh38, chr22:50,695,032, plus strand): 5'-GATCGTGACCGGGATGCCGACCAGGAGAGCAACATCAGTGGCCCTTTAGCAGGCAGGGCC[G>A]GCCAAAGCAAGATCAGGTAGGAGGGGGCTGGCAGGCCCTGGAGGGGTTGGGAGGGTGGGG-3'
Protein context (NP_001358973.1, residues 495-515): NISGPLAGRA[Gly505Ser]QSKISPSGPG

ClinVar aggregate classification (germline): Benign/Likely benign. Review status: criteria provided, multiple submitters, no conflicts (2 of 4 stars). 4 submissions from 4 submitters: Benign (2); Likely benign (1). 1 of the submissions does not count toward it. Last evaluated 2020-07-07.

Conditions:
SHANK3-related disorder. Also called: SHANK3-related condition.
Inborn genetic diseases. Identifiers: MedGen C0950123, MeSH D030342.

Allele frequency attached by ClinVar (database versions not stated): gnomAD 0.00004 and 0.00020; TOPMed 0.00006; gnomAD exomes 0.00023 and 0.00047; ExAC 0.00134; 1000 Genomes Project 30x 0.00234; 1000 Genomes Project 0.00240.

Submissions (4):

GeneDx
Classification: Benign. Last evaluated: 2020-07-07. Review status: criteria provided, single submitter. Criteria: GeneDx Variant Classification Process June 2021. Collection method: clinical testing. Allele origin: germline. Affected: yes.

Ambry Genetics
Classification: Likely benign for Inborn genetic diseases. Last evaluated: 2018-09-22. Review status: criteria provided, single submitter. Criteria: Ambry Variant Classification Scheme 2023. Collection method: clinical testing. Allele origin: germline.

Genetic Services Laboratory, University of Chicago
Classification: Benign. Last evaluated: 2018-01-31. Review status: criteria provided, single submitter. Criteria: ACMG Guidelines, 2015. Collection method: clinical testing. Allele origin: germline. Affected: no.

PreventionGenetics, part of Exact Sciences
Classification: Likely benign for SHANK3-related condition. Last evaluated: 2021-06-29. Review status: no assertion criteria provided. Collection method: clinical testing. Allele origin: germline. Not counted in ClinVar's aggregate classification.
Comment: This variant is classified as likely benign based on ACMG/AMP sequence variant interpretation guidelines (Richards et al. 2015 PMID: 25741868, with internal and published modifications).